The following is an entry in ClinVar:

ClinVar aggregate classification (germline): Benign (0 of 4 stars; one submission).

Conditions:
CASP9-related disorder. Also called: CASP9-related condition.

Allele frequency attached by ClinVar (database versions not stated): gnomAD exomes 0.53151; ExAC 0.53694; TOPMed 0.57967; 1000 Genomes Project 30x 0.58167; 1000 Genomes Project 0.58486; ESP Exome Variant Server 0.58765; gnomAD 0.58779.
gnomAD v4.1: 866,223 of 1,612,996 alleles (54%); highest among the groups gnomAD compares: African/African-American, 70%; 236,358 homozygotes.

Submission:

PreventionGenetics, part of Exact Sciences
Classification: Benign for CASP9-related condition. Last evaluated: 2019-10-18. Review status: no assertion criteria provided. Collection method: clinical testing. Allele origin: germline.
Comment: This variant is classified as benign based on ACMG/AMP sequence variant interpretation guidelines (Richards et al. 2015 PMID: 25741868, with internal and published modifications).

NM_001229.5(CASP9):c.662A>G (p.Gln221Arg)

Gene: CASP9 (caspase 9; minus strand). Cytogenetic location: 1p36.21.
Variant type: single nucleotide variant.
Coding change: c.662A>G on transcript NM_001229.5 (MANE Select); coding-DNA position 662, A replaced by G.
Protein change: p.Gln221Arg; replaces glutamine 221 with arginine.
Molecular consequence: missense variant. On other transcripts: non-coding transcript variant (2), intron variant (1).
Genome position (GRCh38, 1-based): chr1:15,506,048, T>C on the plus strand (A>G on the coding strand, the complement: CASP9 is on the minus strand). VCF-style: chr1-15506048-T-C. GRCh37 (hg19) VCF-style: chr1-15832543-T-C.
Other names: c.413A>G, p.Gln138Arg (NM_032996.3); c.419-10596A>G (NM_001278054.2); short protein forms Q138R, Q221R.
Identifiers: ClinVar variation 3059116 (VCV003059116.2), dbSNP rs1052576, ClinGen allele CA614503.